The following is an entry in ClinVar:

ClinVar aggregate classification (germline): Pathogenic (1 of 4 stars; one submission).

Conditions:
Episodic kinesigenic dyskinesia (EKD). Also called: Paroxysmal kinesigenic dyskinesia. Identifiers: Orphanet 98809, MedGen C1868682, MONDO:0044202.

Submission:

Labcorp Genetics (formerly Invitae), Labcorp
Classification: Pathogenic for Episodic kinesigenic dyskinesia. Last evaluated: 2021-12-08. Review status: criteria provided, single submitter. Criteria: Invitae Variant Classification Sherloc (09022015). Collection method: clinical testing. Allele origin: germline.
Comment: For these reasons, this variant has been classified as Pathogenic. This variant has not been reported in the literature in individuals affected with PRRT2-related conditions. This variant is not present in population databases (gnomAD no frequency). This sequence change creates a premature translational stop signal (p.Pro136Argfs*33) in the PRRT2 gene. It is expected to result in an absent or disrupted protein product. Loss-of-function variants in PRRT2 are known to be pathogenic (PMID: 22623405, 22744660).

Literature cited by the submitters: PubMed 22623405; PubMed 22744660.

NM_145239.3(PRRT2):c.407_408del (p.Pro136fs)

Genes: MVP-DT (MVP divergent transcript; minus strand), PRRT2 (proline rich transmembrane protein 2; plus strand). Cytogenetic location: 16p11.2.
Variant type: Deletion.
Coding change: c.407_408del on transcript NM_145239.3 (MANE Select); coding-DNA positions 407 to 408, 2 bases deleted (CA; older notation c.407_408delCA).
Protein change: p.Pro136fs; shifts the reading frame from proline 136.
Molecular consequence: frameshift variant.
Genome position (GRCh38, 1-based): chr16:29,813,461-29,813,462, CA deleted. VCF-style (leftmost placement, unchanged base first): chr16-29813460-CCA-C. GRCh37 (hg19) VCF-style: chr16-29824781-CCA-C.
Other names: c.407_408del, p.Pro136fs (NM_001256442.2, NM_001256443.2); short protein forms P136fs.
Identifiers: ClinVar variation 2113772 (VCV002113772.4), dbSNP rs2543333105, ClinGen allele CA2580091492.